The following is an entry in ClinVar:

ClinVar aggregate classification (germline): Likely pathogenic (1 of 4 stars; one submission).

Conditions:
Intellectual disability, CASK-related, X-linked. Identifiers: MedGen CN043158.

Submission:

Labcorp Genetics (formerly Invitae), Labcorp
Classification: Likely pathogenic for Intellectual disability, CASK-related, X-linked. Last evaluated: 2024-07-01. Review status: criteria provided, single submitter. Criteria: Invitae Variant Classification Sherloc (09022015). Collection method: clinical testing. Allele origin: germline.
Comment: This sequence change replaces methionine, which is neutral and non-polar, with valine, which is neutral and non-polar, at codon 687 of the CASK protein (p.Met687Val). This variant is not present in population databases (gnomAD no frequency). This missense change has been observed in individual(s) with clinical features of CASK-related conditions (Invitae). In at least one individual the variant was observed to be de novo. Advanced modeling of protein sequence and biophysical properties (such as structural, functional, and spatial information, amino acid conservation, physicochemical variation, residue mobility, and thermodynamic stability) has been performed at Invitae for this missense variant, however the output from this modeling did not meet the statistical confidence thresholds required to predict the impact of this variant on CASK protein function. In summary, the currently available evidence indicates that the variant is pathogenic, but additional data are needed to prove that conclusively. Therefore, this variant has been classified as Likely Pathogenic.

NM_001367721.1(CASK):c.2059A>G (p.Met687Val)

Gene: CASK (calcium/calmodulin dependent serine protein kinase; minus strand). Cytogenetic location: Xp11.4.
Variant type: single nucleotide variant.
Coding change: c.2059A>G on transcript NM_001367721.1 (MANE Select); coding-DNA position 2059, A replaced by G.
Protein change: p.Met687Val; replaces methionine 687 with valine.
Molecular consequence: missense variant.
Genome position (GRCh38, 1-based): chrX:41,542,787, T>C on the plus strand (A>G on the coding strand, the complement: CASK is on the minus strand). VCF-style: chrX-41542787-T-C. GRCh37 (hg19) VCF-style: chrX-41402040-T-C.
Other names: c.1990A>G, p.Met664Val (NM_001126054.3); c.1972A>G, p.Met658Val (NM_001126055.3); c.2041A>G, p.Met681Val (NM_001410745.1); c.2059A>G, p.Met687Val (NM_003688.4); short protein forms M664V, M687V, M658V, M681V.
Identifiers: ClinVar variation 3645694 (VCV003645694.2).